The following is an entry in ClinVar:

NM_001384317.1(ZHX3):c.535A>G (p.Ile179Val)

Gene: ZHX3 (zinc fingers and homeoboxes 3; minus strand). Cytogenetic location: 20q12.
Variant type: single nucleotide variant.
Coding change: c.535A>G on transcript NM_001384317.1 (MANE Select); coding-DNA position 535, A replaced by G.
Protein change: p.Ile179Val; replaces isoleucine 179 with valine.
Molecular consequence: missense variant.
Genome position (GRCh38, 1-based): chr20:41,204,382, T>C on the plus strand (A>G on the coding strand, the complement: ZHX3 is on the minus strand). VCF-style: chr20-41204382-T-C. GRCh37 (hg19) VCF-style: chr20-39833022-T-C.
Other names: c.535A>G, p.Ile179Val (NM_001384315.1, NM_001384316.1, NM_001384318.1 and 8 more transcripts); short protein forms I179V.
Identifiers: ClinVar variation 2268973 (VCV002268973.4), dbSNP rs767730141, ClinGen allele CA9860099.

ClinVar aggregate classification (germline): Uncertain significance. Review status: criteria provided, multiple submitters, no conflicts (2 of 4 stars). 2 submissions from 2 submitters: Uncertain significance (2). Last evaluated 2026-01-11.

Allele frequency attached by ClinVar (database versions not stated): ExAC 0.00001; gnomAD 0.00001; gnomAD exomes 0.00001; TOPMed 0.00001.
gnomAD v4.1: 15 of 1,614,064 alleles (0.00093%); highest among the groups gnomAD compares: Non-Finnish European, 0.0013%; no homozygotes.

Submissions (2):

Labcorp Genetics (formerly Invitae), Labcorp
Classification: Uncertain significance. Last evaluated: 2026-01-11. Review status: criteria provided, single submitter. Criteria: Invitae Variant Classification Sherloc (09022015). Collection method: clinical testing. Allele origin: germline.
Comment: This sequence change replaces isoleucine, which is neutral and non-polar, with valine, which is neutral and non-polar, at codon 179 of the ZHX3 protein (p.Ile179Val). This variant is present in population databases (rs767730141, gnomAD 0.002%). This variant has not been reported in the literature in individuals affected with ZHX3-related conditions. ClinVar contains an entry for this variant (Variation ID: 2268973). An algorithm developed to predict the effect of missense changes on protein structure and function (PolyPhen-2) suggests that this variant is likely to be disruptive. In summary, the available evidence is currently insufficient to determine the role of this variant in disease. Therefore, it has been classified as a Variant of Uncertain Significance.

Ambry Genetics
Classification: Uncertain significance. Last evaluated: 2024-10-28. Review status: criteria provided, single submitter. Criteria: Ambry Variant Classification Scheme 2023. Collection method: clinical testing. Allele origin: germline.